The following is an entry in ClinVar:

NM_001963.6(EGF):c.940+11G>A

Gene: EGF (epidermal growth factor; plus strand). Cytogenetic location: 4q25.
Variant type: single nucleotide variant.
Coding change: c.940+11G>A on transcript NM_001963.6 (MANE Select); 11 bases into the intron after coding-DNA position 940, G replaced by A.
Molecular consequence: intron variant.
Genome position (GRCh38, 1-based): chr4:109,945,286, G>A. VCF-style: chr4-109945286-G-A. GRCh37 (hg19) VCF-style: chr4-110866442-G-A.
Other names: c.940+11G>A (NM_001178130.3, NM_001178131.3, NM_001357021.2).
Identifiers: ClinVar variation 347230 (VCV000347230.24), dbSNP rs4698756, ClinGen allele CA3043517.

ClinVar aggregate classification (germline): Benign. Review status: criteria provided, multiple submitters, no conflicts (2 of 4 stars). 7 submissions from 7 submitters: Benign (5). 2 of the submissions do not count toward it. Last evaluated 2026-02-04.

Conditions:
Renal hypomagnesemia 4. Also called: HYPOMAGNESEMIA, RENAL, NORMOCALCIURIC. Identifiers: Orphanet 34527, MedGen C2673648, MONDO:0012717, OMIM 611718.

Allele frequency attached by ClinVar (database versions not stated): ESP Exome Variant Server 0.38129; gnomAD 0.38374 and 0.38558; TOPMed 0.40150; 1000 Genomes Project 0.43530; 1000 Genomes Project 30x 0.43801.
gnomAD v4.1: 580,459 of 1,609,118 alleles (36%); highest among the groups gnomAD compares: East Asian, 51%; 106,761 homozygotes.

Submissions (7):

Labcorp Genetics (formerly Invitae), Labcorp
Classification: Benign. Last evaluated: 2026-02-04. Review status: criteria provided, single submitter. Criteria: Invitae Variant Classification Sherloc (09022015). Collection method: clinical testing. Allele origin: germline.

Blueprint Genetics
Classification: Benign. Last evaluated: 2024-11-26. Review status: criteria provided, single submitter. Criteria: ACMG Guidelines, 2015. Collection method: clinical testing. Allele origin: germline.

GeneDx
Classification: Benign. Last evaluated: 2018-11-10. Review status: criteria provided, single submitter. Criteria: GeneDx Variant Classification Process June 2021. Collection method: clinical testing. Allele origin: germline. Affected: yes.

Illumina Laboratory Services, Illumina
Classification: Benign for Renal hypomagnesemia 4. Last evaluated: 2018-01-13. Review status: criteria provided, single submitter. Criteria: ICSL Variant Classification Criteria 13 December 2019. Collection method: clinical testing. Allele origin: germline.
Comment: This variant was observed in the ICSL laboratory as part of a predisposition screen in an ostensibly healthy population. It had not been previously curated by ICSL or reported in the Human Gene Mutation Database (HGMD: prior to June 1st, 2018), and was therefore a candidate for classification through an automated scoring system. Utilizing variant allele frequency, disease prevalence and penetrance estimates, and inheritance mode, an automated score was calculated to assess if this variant is too frequent to cause the disease. Based on the score and internal cut-off values, a variant classified as benign is not then subjected to further curation. The score for this variant resulted in a classification of benign for this disease.

Breakthrough Genomics
Classification: Benign. Review status: criteria provided, single submitter. Criteria: ACMG Guidelines, 2015. Collection method: not provided. Allele origin: germline. Inheritance: Autosomal recessive inheritance. Affected: yes.

Diagnostic Laboratory, Department of Genetics, University Medical Center Groningen
Classification: Benign. Review status: no assertion criteria provided. Collection method: clinical testing. Allele origin: germline. Affected: yes. Study: VKGL Data-share Consensus. Not counted in ClinVar's aggregate classification.

Joint Genome Diagnostic Labs from Nijmegen and Maastricht, Radboudumc and MUMC+
Classification: Benign. Review status: no assertion criteria provided. Collection method: clinical testing. Allele origin: germline. Affected: yes. Study: VKGL Data-share Consensus. Not counted in ClinVar's aggregate classification.